The following is an entry in ClinVar:

ClinVar aggregate classification (germline): Conflicting classifications of pathogenicity. Review status: criteria provided, conflicting classifications (1 of 4 stars). 6 submissions from 6 submitters: Uncertain significance (5); Likely benign (1). Last evaluated 2026-01-25.

Conditions:
2-aminoadipic 2-oxoadipic aciduria (AAKAD). Also called: Aminoadipic aciduria; ALPHA-AMINOADIPIC AND ALPHA-KETOADIPIC ACIDURIA. Identifiers: Orphanet 79154, MedGen C1859817, MONDO:0008774, OMIM 204750.
DHTKD1-related disorder. Also called: DHTKD1-related condition.
Inborn genetic diseases. Identifiers: MedGen C0950123, MeSH D030342.

Submissions (6):

Labcorp Genetics (formerly Invitae), Labcorp
Classification: Likely benign for 2-aminoadipic 2-oxoadipic aciduria. Last evaluated: 2026-01-25. Review status: criteria provided, single submitter. Criteria: Invitae Variant Classification Sherloc (09022015). Collection method: clinical testing. Allele origin: germline.

PreventionGenetics, part of Exact Sciences
Classification: Uncertain significance for DHTKD1-related condition. Last evaluated: 2025-07-15. Review status: criteria provided, single submitter. Criteria: ACMG Guidelines, 2015. Collection method: clinical testing. Allele origin: germline.
Comment: The DHTKD1 c.2659-3_2659-2delTA variant is predicted to result in a deletion affecting a canonical splice site. This variant has been reported in an individual with possible diagnosis of Charcot-Marie-Tooth disease (Suppl. Table 2. Abolhassani et al. 2024. PubMed ID: 38374194). This variant is reported in 0.10% of alleles in individuals of African descent in gnomAD. At this time, the clinical significance of this variant is uncertain due to the absence of conclusive functional and genetic evidence.

Women's Health and Genetics/Laboratory Corporation of America, LabCorp
Classification: Uncertain significance. Last evaluated: 2023-03-27. Review status: criteria provided, single submitter. Criteria: LabCorp Variant Classification Summary - May 2015. Collection method: clinical testing. Allele origin: germline.
Comment: Variant summary: DHTKD1 c.2659-3_2659-2delTA alters a non-conserved nucleotide located close to a canonical splice site and therefore could affect mRNA splicing, leading to a significantly altered protein sequence. The variant allele was found at a frequency of 9.9e-05 in 251458 control chromosomes (gnomAD). To our knowledge, no occurrence of c.2659-3_2659-2delTA in individuals affected with 2-Aminoadipic 2-Oxoadipic Aciduria and no experimental evidence demonstrating its impact on protein function have been reported. Three clinical diagnostic laboratories have submitted clinical-significance assessments for this variant to ClinVar after 2014 and classified the variant as VUS (n=2) and likely benign (n=1). Based on the evidence outlined above, the variant was classified as uncertain significance.

ARUP Laboratories, Molecular Genetics and Genomics, ARUP Laboratories
Classification: Uncertain significance. Last evaluated: 2021-11-19. Review status: criteria provided, single submitter. Criteria: ARUP Molecular Germline Variant Investigation Process 2021. Collection method: clinical testing. Allele origin: germline.
Comment: The DHTKD1 c.2659-3_2659-2delTA variant, to our knowledge, is not reported in the medical literature or gene specific databases. The variant is reported in the African population with an allele frequency of 0.1% (25/24,968 alleles) in the Genome Aggregation Database. This variant disrupts the canonical splice acceptor site of intron 16, which is likely to negatively impact gene function. Due to limited information, the clinical significance of the c.2659-3_2659-2delTA variant is uncertain at this time.

Ambry Genetics
Classification: Uncertain significance for Inborn genetic diseases. Last evaluated: 2021-08-18. Review status: criteria provided, single submitter. Criteria: Ambry Variant Classification Scheme 2023. Collection method: clinical testing. Allele origin: germline.
Comment: The c.2659-3_2659-2delTA alteration is located in intron 16 of the DHTKD1 gene. This alteration consists of a deletion of 2 nucleotides at nucleotide position c.2659-3. Based on insufficient or conflicting evidence, the clinical significance of this alteration remains unclear.

Kariminejad - Najmabadi Pathology & Genetics Center
Classification: Uncertain significance. Last evaluated: 2020-02-22. Review status: criteria provided, single submitter. Criteria: ACMG Guidelines, 2015. Collection method: clinical testing. Allele origin: germline. Inheritance: Autosomal dominant inheritance. Affected: yes.
Comment: PVS1_Moderate, PP4

NM_018706.7(DHTKD1):c.2659-3_2659-2del

Gene: DHTKD1 (dehydrogenase E1 and transketolase domain containing 1; plus strand). Cytogenetic location: 10p14.
Variant type: Microsatellite.
Coding change: c.2659-3_2659-2del on transcript NM_018706.7 (MANE Select); 3 bases into the intron before coding-DNA position 2659 through the canonical splice acceptor site of the intron before coding-DNA position 2659, 2 bases deleted (TA; older notation c.2659-3_2659-2delTA).
Molecular consequence: splice acceptor variant.
Genome position (GRCh38, 1-based): chr10:12,120,784-12,120,785, TA deleted; deleting any 2 consecutive bases within chr10:12,120,782-12,120,785 gives the same sequence; the c. name uses the placement nearest the transcript's 3' end. VCF-style (leftmost placement, unchanged base first): chr10-12120781-TTA-T. GRCh37 (hg19) VCF-style: chr10-12162780-TTA-T.
Other names: c.2659-3_2659-2delTA (NM_018706.5, NM_018706.6).
Identifiers: ClinVar variation 1330469 (VCV001330469.19), dbSNP rs761529786, ClinGen allele CA5408359.